The following is an entry in ClinVar:

NC_012920.1(MT-ND5):m.12481T>C

Gene: MT-ND5 (mitochondrially encoded NADH dehydrogenase 5; plus strand).
Variant type: single nucleotide variant.
Genome position: chrM-12481-T-C.
Identifiers: ClinVar variation 693451 (VCV000693451.1), dbSNP rs1603223762, ClinGen allele CA414813358.
Genomic context (GRCh38, chrMT:12,481, plus strand): 5'-AAAAACTCATACCCCCATTATGTAAAATCCATTGTCGCATCCACCTTTATTATCAGTCTC[T>C]TCCCCACAACAATATTCATGTGCCTAGACCAAGAAGTTATTATCTCGAACTGACACTGAG-3'

ClinVar aggregate classification (germline): Uncertain significance (1 of 4 stars; one submission).

Conditions:
Leigh syndrome (NULS). Also called: Leigh's necrotizing encephalopathy; Leigh's disease; Leigh Syndrome (mtDNA deletion); Leigh Disease; Subacute necrotizing encephalopathy; Necrotizing encephalopathy infantile subacute of Leigh. Identifiers: Orphanet 506, MedGen C2931891, MONDO:0009723, OMIM 256000.

Submission:

Wong Mito Lab, Molecular and Human Genetics, Baylor College of Medicine
Classification: Uncertain significance for Leigh syndrome. Last evaluated: 2019-10-17. Review status: criteria provided, single submitter. Criteria: Modified ACMG Guidelines (Unpublished). Collection method: clinical testing. Allele origin: germline.
Comment: The NC_012920.1:m.12481T>C (YP_003024036.1:p.Phe49Leu) variant in MTND5 gene is interpretated to be a Uncertain Significance variant based on the modified ACMG guidelines (unpublished). This variant meets the following evidence codes: BP4